The following is an entry in ClinVar:

NM_004304.5(ALK):c.314C>A (p.Ala105Glu)

Gene: ALK (ALK receptor tyrosine kinase; minus strand). Cytogenetic location: 2p23.1.
Variant type: single nucleotide variant.
Coding change: c.314C>A on transcript NM_004304.5 (MANE Select); coding-DNA position 314, C replaced by A.
Protein change: p.Ala105Glu; replaces alanine 105 with glutamic acid.
Molecular consequence: missense variant.
Genome position (GRCh38, 1-based): chr2:29,920,346, G>T on the plus strand (C>A on the coding strand, the complement: ALK is on the minus strand). VCF-style: chr2-29920346-G-T. GRCh37 (hg19) VCF-style: chr2-30143212-G-T.
Other names: c.314C>A (NM_004304.4); short protein forms A105E.
Identifiers: ClinVar variation 1477260 (VCV001477260.9), dbSNP rs772569032, ClinGen allele CA346590278.

ClinVar aggregate classification (germline): Uncertain significance. Review status: criteria provided, multiple submitters, no conflicts (2 of 4 stars). 2 submissions from 2 submitters: Uncertain significance (2). Last evaluated 2024-11-11.

Conditions:
Hereditary cancer-predisposing syndrome. Also called: Hereditary neoplastic syndrome; Tumor predisposition; Neoplastic Syndromes, Hereditary; Hereditary Cancer Syndrome. Identifiers: Orphanet 140162, MedGen C0027672, MeSH D009386, MONDO:0015356.
Neuroblastoma, susceptibility to, 3. Also called: ALK-Related Neuroblastic Tumor Susceptibility. Identifiers: Orphanet 635, MedGen C2751681, MONDO:0013083, OMIM 613014.

Submissions (2):

Labcorp Genetics (formerly Invitae), Labcorp
Classification: Uncertain significance for Neuroblastoma, susceptibility to, 3. Last evaluated: 2024-11-11. Review status: criteria provided, single submitter. Criteria: Invitae Variant Classification Sherloc (09022015). Collection method: clinical testing. Allele origin: germline.
Comment: This sequence change replaces alanine, which is neutral and non-polar, with glutamic acid, which is acidic and polar, at codon 105 of the ALK protein (p.Ala105Glu). This variant is not present in population databases (gnomAD no frequency). This variant has not been reported in the literature in individuals affected with ALK-related conditions. ClinVar contains an entry for this variant (Variation ID: 1477260). An algorithm developed to predict the effect of missense changes on protein structure and function (PolyPhen-2) suggests that this variant is likely to be tolerated. In summary, the available evidence is currently insufficient to determine the role of this variant in disease. Therefore, it has been classified as a Variant of Uncertain Significance.

Ambry Genetics
Classification: Uncertain significance for Hereditary cancer-predisposing syndrome. Last evaluated: 2024-07-24. Review status: criteria provided, single submitter. Criteria: Ambry Variant Classification Scheme 2023. Collection method: clinical testing. Allele origin: germline.
Comment: The p.A105E variant (also known as c.314C>A), located in coding exon 1 of the ALK gene, results from a C to A substitution at nucleotide position 314. The alanine at codon 105 is replaced by glutamic acid, an amino acid with dissimilar properties. This amino acid position is conserved. In addition, this alteration is predicted to be tolerated by in silico analysis. Based on the available evidence, the clinical significance of this variant remains unclear.